The following is an entry in ClinVar:

ClinVar aggregate classification (germline): Benign/Likely benign. Review status: criteria provided, multiple submitters, no conflicts (2 of 4 stars). 10 submissions from 4 submitters: Benign (7); Likely benign (3). Last evaluated 2024-10-17.

Conditions:
Nephrotic syndrome, type 4 (NPHS4). Also called: Familial mesangial sclerosis; Nephrotic syndrome, early onset with diffuse mesangial sclerosis. Identifiers: Orphanet 656, MedGen C3151568, MONDO:0009733, OMIM 256370.
Frasier syndrome. Identifiers: Orphanet 347, MedGen C0950122, MeSH D052159, MONDO:0007635, OMIM 136680.
Drash syndrome (DDS). Also called: NEPHROPATHY, WILMS TUMOR, AND GENITAL ANOMALIES; WILMS TUMOR AND PSEUDO- OR TRUE HERMAPHRODITISM. Identifiers: Orphanet 220, MedGen C0950121, MONDO:0008682, OMIM 194080.
Meacham syndrome. Also called: Meacham Winn Culler syndrome. Identifiers: Orphanet 3097, MedGen C1837026, MONDO:0012164, OMIM 608978.
Wilms tumor 1 (WT1). Also called: Wilms tumor, somatic. Identifiers: Orphanet 654, MedGen CN033288, MONDO:0008679, OMIM 194070.

Allele frequency attached by ClinVar (database versions not stated): gnomAD exomes 0.00032 and 0.00082; ExAC 0.00110; gnomAD 0.00392 and 0.00421; ESP Exome Variant Server 0.00415; 1000 Genomes Project 0.00439; 1000 Genomes Project 30x 0.00453; TOPMed 0.00457.

Submissions (10):

Blueprint Genetics
Classification: Likely benign. Last evaluated: 2024-10-17. Review status: criteria provided, single submitter. Criteria: ACMG Guidelines, 2015. Collection method: clinical testing. Allele origin: germline.

Genome-Nilou Lab
Classification: Benign for Drash syndrome. Last evaluated: 2021-12-05. Review status: criteria provided, single submitter. Criteria: ACMG Guidelines, 2015. Collection method: clinical testing. Allele origin: germline. Affected: no.

Genome-Nilou Lab
Classification: Benign for Frasier syndrome. Last evaluated: 2021-12-05. Review status: criteria provided, single submitter. Criteria: ACMG Guidelines, 2015. Collection method: clinical testing. Allele origin: germline. Affected: no.

Genome-Nilou Lab
Classification: Benign for Meacham syndrome. Last evaluated: 2021-12-05. Review status: criteria provided, single submitter. Criteria: ACMG Guidelines, 2015. Collection method: clinical testing. Allele origin: germline. Affected: no.

Genome-Nilou Lab
Classification: Benign for Nephrotic syndrome, type 4. Last evaluated: 2021-12-05. Review status: criteria provided, single submitter. Criteria: ACMG Guidelines, 2015. Collection method: clinical testing. Allele origin: germline. Affected: no.

Genome-Nilou Lab
Classification: Benign for Wilms tumor 1. Last evaluated: 2021-12-05. Review status: criteria provided, single submitter. Criteria: ACMG Guidelines, 2015. Collection method: clinical testing. Allele origin: germline. Affected: no.

GeneDx
Classification: Likely benign. Last evaluated: 2019-09-15. Review status: criteria provided, single submitter. Criteria: GeneDx Variant Classification Process June 2021. Collection method: clinical testing. Allele origin: germline. Affected: yes.

Illumina Laboratory Services, Illumina
Classification: Benign for Meacham syndrome. Last evaluated: 2018-01-13. Review status: criteria provided, single submitter. Criteria: ICSL Variant Classification Criteria 13 December 2019. Collection method: clinical testing. Allele origin: germline.
Comment: This variant was observed in the ICSL laboratory as part of a predisposition screen in an ostensibly healthy population. It had not been previously curated by ICSL or reported in the Human Gene Mutation Database (HGMD: prior to June 1st, 2018), and was therefore a candidate for classification through an automated scoring system. Utilizing variant allele frequency, disease prevalence and penetrance estimates, and inheritance mode, an automated score was calculated to assess if this variant is too frequent to cause the disease. Based on the score and internal cut-off values, a variant classified as benign is not then subjected to further curation. The score for this variant resulted in a classification of benign for this disease.

Illumina Laboratory Services, Illumina
Classification: Likely benign for Nephrotic syndrome, type 4. Last evaluated: 2018-01-13. Review status: criteria provided, single submitter. Criteria: ICSL Variant Classification Criteria 13 December 2019. Collection method: clinical testing. Allele origin: germline.
Comment: This variant was observed in the ICSL laboratory as part of a predisposition screen in an ostensibly healthy population. It had not been previously curated by ICSL or reported in the Human Gene Mutation Database (HGMD: prior to June 1st, 2018), and was therefore a candidate for classification through an automated scoring system. Utilizing variant allele frequency, disease prevalence and penetrance estimates, and inheritance mode, an automated score was calculated to assess if this variant is too frequent to cause the disease. Based on the score and internal cut-off values, a variant classified as likely benign is not then subjected to further curation. The score for this variant resulted in a classification of likely benign for this disease.

Illumina Laboratory Services, Illumina
Classification: Benign for Wilms tumor 1. Last evaluated: 2018-01-13. Review status: criteria provided, single submitter. Criteria: ICSL Variant Classification Criteria 13 December 2019. Collection method: clinical testing. Allele origin: germline.
Comment: the same text as in the submission from Illumina Laboratory Services, Illumina above.

NM_024426.6(WT1):c.*16G>T

Gene: WT1 (WT1 transcription factor; minus strand). Cytogenetic location: 11p13.
Variant type: single nucleotide variant.
Coding change: c.*16G>T on transcript NM_024426.6 (MANE Select); 16 bases downstream of the stop codon, G replaced by T.
Molecular consequence: 3 prime UTR variant. On other transcripts: non-coding transcript variant (1).
Genome position (GRCh38, 1-based): chr11:32,389,042, C>A on the plus strand (G>T on the coding strand, the complement: WT1 is on the minus strand). VCF-style: chr11-32389042-C-A. GRCh37 (hg19) VCF-style: chr11-32410588-C-A.
Other names: c.*16G>T (NM_000378.6, NM_001198551.2, NM_001198552.2 and 11 more transcripts).
Identifiers: ClinVar variation 304417 (VCV000304417.10), dbSNP rs2234594, ClinGen allele CA064707.